The following is an entry in ClinVar:

NM_019892.6(INPP5E):c.936+4_936+5dup

Gene: INPP5E (inositol polyphosphate-5-phosphatase E; minus strand). Cytogenetic location: 9q34.3.
Variant type: Duplication.
Coding change: c.936+4_936+5dup on transcript NM_019892.6 (MANE Select); bases 4 to 5 of the intron after coding-DNA position 936, 2 bases duplicated (AG; older notation c.936+4_936+5dupAG).
Molecular consequence: intron variant.
Genome position (GRCh38, 1-based): chr9:136,434,735-136,434,736, CT duplicated on the plus strand (AG on the coding strand, the reverse complement: INPP5E is on the minus strand); duplicating any 2 consecutive bases within chr9:136,434,735-136,434,737 gives the same sequence; the c. name uses the placement nearest the transcript's 3' end. VCF-style (leftmost placement, unchanged base first): chr9-136434734-A-ACT. GRCh37 (hg19) VCF-style: chr9-139329186-A-ACT.
Other names: c.936+4_936+5dup (NM_001318502.2); c.936+4_936+5dupAG (NM_019892.5).
Identifiers: ClinVar variation 1397820 (VCV001397820.8), dbSNP rs2131611229, ClinGen allele CA2573144380.

ClinVar aggregate classification (germline): Uncertain significance. Review status: criteria provided, single submitter (1 of 4 stars). 2 submissions from 2 submitters: Uncertain significance (1). 1 of the submissions does not count toward it. Last evaluated 2020-12-17.

Conditions:
INPP5E-related disorder. Also called: INPP5E-related condition.
Joubert syndrome. Also called: CEREBELLOPARENCHYMAL DISORDER IV; JOUBERT-BOLTSHAUSER SYNDROME; Familial aplasia of the vermis. Identifiers: Orphanet 475, MedGen C5979921, MONDO:0018772.

Submissions (2):

Labcorp Genetics (formerly Invitae), Labcorp
Classification: Uncertain significance for Joubert syndrome. Last evaluated: 2020-12-17. Review status: criteria provided, single submitter. Criteria: Invitae Variant Classification Sherloc (09022015). Collection method: clinical testing. Allele origin: germline.
Comment: In summary, the available evidence is currently insufficient to determine the role of this variant in disease. Therefore, it has been classified as a Variant of Uncertain Significance. Nucleotide substitutions within the consensus splice site are a relatively common cause of aberrant splicing (PMID: 17576681, 9536098). Algorithms developed to predict the effect of sequence changes on RNA splicing suggest that this variant may disrupt the consensus splice site, but this prediction has not been confirmed by published transcriptional studies. This variant has not been reported in the literature in individuals with INPP5E-related conditions. This variant is not present in population databases (ExAC no frequency). This sequence change falls in intron 2 of the INPP5E gene. It does not directly change the encoded amino acid sequence of the INPP5E protein. It affects a nucleotide within the consensus splice site of the intron.

PreventionGenetics, part of Exact Sciences
Classification: Likely benign for INPP5E-related condition. Last evaluated: 2022-01-19. Review status: no assertion criteria provided. Collection method: clinical testing. Allele origin: germline. Not counted in ClinVar's aggregate classification.
Comment: This variant is classified as likely benign based on ACMG/AMP sequence variant interpretation guidelines (Richards et al. 2015 PMID: 25741868, with internal and published modifications).

Literature cited by the submitters: PubMed 17576681 (cited by Labcorp Genetics (formerly Invitae), Labcorp); PubMed 9536098 (cited by Labcorp Genetics (formerly Invitae), Labcorp).